The following is an entry in ClinVar:

NM_001145358.2(SIN3A):c.818C>T (p.Ala273Val)

Gene: SIN3A (SIN3 transcription regulator family member A; minus strand). Cytogenetic location: 15q24.2.
Variant type: single nucleotide variant.
Coding change: c.818C>T on transcript NM_001145358.2 (MANE Select); coding-DNA position 818, C replaced by T.
Protein change: p.Ala273Val; replaces alanine 273 with valine.
Molecular consequence: missense variant.
Genome position (GRCh38, 1-based): chr15:75,411,682, G>A on the plus strand (C>T on the coding strand, the complement: SIN3A is on the minus strand). VCF-style: chr15-75411682-G-A. GRCh37 (hg19) VCF-style: chr15-75704023-G-A.
Other names: c.818C>T, p.Ala273Val (NM_015477.3, NM_001145357.2); short protein forms A273V.
Identifiers: ClinVar variation 2958000 (VCV002958000.3), dbSNP rs1164184277, ClinGen allele CA393448109.

ClinVar aggregate classification (germline): Uncertain significance (1 of 4 stars; one submission).

Allele frequency attached by ClinVar (database versions not stated): gnomAD exomes 0.00001.
gnomAD v4.1: 3 of 1,613,790 alleles (0.00019%); highest among the groups gnomAD compares: Admixed American, 0.005%; no homozygotes.

Submission:

Labcorp Genetics (formerly Invitae), Labcorp
Classification: Uncertain significance. Last evaluated: 2025-06-22. Review status: criteria provided, single submitter. Criteria: Invitae Variant Classification Sherloc (09022015). Collection method: clinical testing. Allele origin: germline.
Comment: This sequence change replaces alanine, which is neutral and non-polar, with valine, which is neutral and non-polar, at codon 273 of the SIN3A protein (p.Ala273Val). This variant is present in population databases (no rsID available, gnomAD 0.003%). This variant has not been reported in the literature in individuals affected with SIN3A-related conditions. ClinVar contains an entry for this variant (Variation ID: 2958000). Invitae Evidence Modeling of protein sequence and biophysical properties (such as structural, functional, and spatial information, amino acid conservation, physicochemical variation, residue mobility, and thermodynamic stability) indicates that this missense variant is not expected to disrupt SIN3A protein function with a negative predictive value of 80%. In summary, the available evidence is currently insufficient to determine the role of this variant in disease. Therefore, it has been classified as a Variant of Uncertain Significance.